The following is an entry in ClinVar:

NM_001288739.2(DNM1):c.1288A>G (p.Met430Val)

Gene: DNM1 (dynamin 1; plus strand). Cytogenetic location: 9q34.11.
Variant type: single nucleotide variant.
Coding change: c.1288A>G on transcript NM_001288739.2 (MANE Plus Clinical); coding-DNA position 1288, A replaced by G.
Protein change: p.Met430Val; replaces methionine 430 with valine.
Molecular consequence: missense variant. On other transcripts: intron variant (3).
Genome position (GRCh38, 1-based): chr9:128,226,126, A>G. VCF-style: chr9-128226126-A-G. GRCh37 (hg19) VCF-style: chr9-130988405-A-G.
Other names: c.1288A>G, p.Met430Val (NM_001288737.2, NM_001288738.2); c.1335+1737A>G (NM_001005336.3, NM_001374269.1, NM_004408.4); short protein forms M430V.
Identifiers: ClinVar variation 4534466 (VCV004534466.6).

ClinVar aggregate classification (germline): Uncertain significance (1 of 4 stars; one submission).

gnomAD v4.1: 3 of 1,612,854 alleles (0.00019%); highest among the groups gnomAD compares: Non-Finnish European, 0.00025%; no homozygotes.

Submission:

CeGaT Center for Human Genetics Tuebingen
Classification: Uncertain significance. Last evaluated: 2025-10-01. Review status: criteria provided, single submitter. Criteria: CeGaT Center For Human Genetics Tuebingen Variant Classification Criteria Version 2. Collection method: clinical testing. Allele origin: germline. Affected: yes. Observed: 1 variant allele.
Comment: DNM1: PP2, BP4